The following is an entry in ClinVar:

ClinVar aggregate classification (germline): Conflicting classifications of pathogenicity. Review status: criteria provided, conflicting classifications (1 of 4 stars). 4 submissions from 4 submitters: Uncertain significance (3); Likely benign (1). Last evaluated 2025-04-01.

Conditions:
Tuberous sclerosis 2 (TSC2). Identifiers: Orphanet 805, MedGen C1860707, MONDO:0013199, OMIM 613254.
Hereditary cancer-predisposing syndrome. Also called: Hereditary Cancer Syndrome; Hereditary neoplastic syndrome; Neoplastic Syndromes, Hereditary; Tumor predisposition. Identifiers: Orphanet 140162, MedGen C0027672, MeSH D009386, MONDO:0015356.

Allele frequency attached by ClinVar (database versions not stated): TOPMed below 0.00001; gnomAD 0.00001.
gnomAD v4.1: 3 of 1,613,626 alleles (0.00019%); highest among the groups gnomAD compares: Non-Finnish European, 0.00025%; no homozygotes.

Submissions (4):

Ambry Genetics
Classification: Uncertain significance for Hereditary cancer-predisposing syndrome. Last evaluated: 2025-04-01. Review status: criteria provided, single submitter. Criteria: Ambry Variant Classification Scheme 2023. Collection method: clinical testing. Allele origin: germline.
Comment: The p.H523Q variant (also known as c.1569C>G), located in coding exon 14 of the TSC2 gene, results from a C to G substitution at nucleotide position 1569. The histidine at codon 523 is replaced by glutamine, an amino acid with highly similar properties. This amino acid position is highly conserved in available vertebrate species. In addition, this alteration is predicted to be deleterious by in silico analysis. Based on the available evidence, the clinical significance of this variant remains unclear.

CeGaT Center for Human Genetics Tuebingen
Classification: Likely benign. Last evaluated: 2025-03-01. Review status: criteria provided, single submitter. Criteria: CeGaT Center For Human Genetics Tuebingen Variant Classification Criteria Version 2. Collection method: clinical testing. Allele origin: germline. Affected: yes. Observed: 1 variant allele.
Comment: TSC2: BS2

Labcorp Genetics (formerly Invitae), Labcorp
Classification: Uncertain significance for Tuberous sclerosis 2. Last evaluated: 2024-07-29. Review status: criteria provided, single submitter. Criteria: Invitae Variant Classification Sherloc (09022015). Collection method: clinical testing. Allele origin: germline.
Comment: This sequence change replaces histidine, which is basic and polar, with glutamine, which is neutral and polar, at codon 523 of the TSC2 protein (p.His523Gln). This variant is not present in population databases (gnomAD no frequency). This variant has not been reported in the literature in individuals affected with TSC2-related conditions. ClinVar contains an entry for this variant (Variation ID: 1005663). Advanced modeling of protein sequence and biophysical properties (such as structural, functional, and spatial information, amino acid conservation, physicochemical variation, residue mobility, and thermodynamic stability) performed at Invitae indicates that this missense variant is not expected to disrupt TSC2 protein function with a negative predictive value of 95%. In summary, the available evidence is currently insufficient to determine the role of this variant in disease. Therefore, it has been classified as a Variant of Uncertain Significance.

Blueprint Genetics
Classification: Uncertain significance. Last evaluated: 2022-09-21. Review status: criteria provided, single submitter. Criteria: ACMG Guidelines, 2015. Collection method: clinical testing. Allele origin: germline.

NM_000548.5(TSC2):c.1569C>G (p.His523Gln)

Gene: TSC2 (TSC complex subunit 2; plus strand). Cytogenetic location: 16p13.3.
Variant type: single nucleotide variant.
Coding change: c.1569C>G on transcript NM_000548.5 (MANE Select); coding-DNA position 1569, C replaced by G.
Protein change: p.His523Gln; replaces histidine 523 with glutamine.
Molecular consequence: missense variant.
Genome position (GRCh38, 1-based): chr16:2,064,397, C>G. VCF-style: chr16-2064397-C-G. GRCh37 (hg19) VCF-style: chr16-2114398-C-G.
Other names: c.1569C>G, p.His523Gln (NM_001077183.3, NM_001114382.3, NM_001363528.2 and 3 more transcripts); c.1458C>G, p.His486Gln (NM_001318827.2); c.1422C>G, p.His474Gln (NM_001318829.2); c.969C>G, p.His323Gln (NM_001318831.2); c.1602C>G, p.His534Gln (NM_001318832.2); short protein forms H323Q, H474Q, H486Q, H523Q, H534Q.
Identifiers: ClinVar variation 1005663 (VCV001005663.20), dbSNP rs1420211177, ClinGen allele CA394326617.